The following is an entry in ClinVar:

ClinVar aggregate classification (germline): Uncertain significance. Review status: criteria provided, multiple submitters, no conflicts (2 of 4 stars). 2 submissions from 2 submitters: Uncertain significance (2). Last evaluated 2025-02-08.

Conditions:
Hereditary cancer-predisposing syndrome. Also called: Tumor predisposition; Hereditary neoplastic syndrome; Neoplastic Syndromes, Hereditary; Hereditary Cancer Syndrome. Identifiers: Orphanet 140162, MedGen C0027672, MeSH D009386, MONDO:0015356.
EGFR-related lung cancer (EGFR). Identifiers: MedGen CN130014.

Submissions (2):

Ambry Genetics
Classification: Uncertain significance for Hereditary cancer-predisposing syndrome. Last evaluated: 2025-02-08. Review status: criteria provided, single submitter. Criteria: Ambry Variant Classification Scheme 2023. Collection method: clinical testing. Allele origin: germline.
Comment: The p.A472E variant (also known as c.1415C>A), located in coding exon 12 of the EGFR gene, results from a C to A substitution at nucleotide position 1415. The alanine at codon 472 is replaced by glutamic acid, an amino acid with dissimilar properties. This amino acid position is conserved. In addition, the in silico prediction for this alteration is inconclusive. Based on the available evidence, the clinical significance of this variant remains unclear.

Labcorp Genetics (formerly Invitae), Labcorp
Classification: Uncertain significance for EGFR-related lung cancer. Last evaluated: 2024-02-06. Review status: criteria provided, single submitter. Criteria: Invitae Variant Classification Sherloc (09022015). Collection method: clinical testing. Allele origin: germline.
Comment: This sequence change replaces alanine, which is neutral and non-polar, with glutamic acid, which is acidic and polar, at codon 472 of the EGFR protein (p.Ala472Glu). This variant is not present in population databases (gnomAD no frequency). This variant has not been reported in the literature in individuals affected with EGFR-related conditions. Advanced modeling of protein sequence and biophysical properties (such as structural, functional, and spatial information, amino acid conservation, physicochemical variation, residue mobility, and thermodynamic stability) performed at Invitae indicates that this missense variant is not expected to disrupt EGFR protein function with a negative predictive value of 80%. In summary, the available evidence is currently insufficient to determine the role of this variant in disease. Therefore, it has been classified as a Variant of Uncertain Significance.

NM_005228.5(EGFR):c.1415C>A (p.Ala472Glu)

Gene: EGFR (epidermal growth factor receptor; plus strand). Cytogenetic location: 7p11.2.
Variant type: single nucleotide variant.
Coding change: c.1415C>A on transcript NM_005228.5 (MANE Select); coding-DNA position 1415, C replaced by A.
Protein change: p.Ala472Glu; replaces alanine 472 with glutamic acid.
Molecular consequence: missense variant.
Genome position (GRCh38, 1-based): chr7:55,160,255, C>A. VCF-style: chr7-55160255-C-A. GRCh37 (hg19) VCF-style: chr7-55227948-C-A.
Other names: c.1280C>A, p.Ala427Glu (NM_001346897.2, NM_001346899.2); c.1415C>A, p.Ala472Glu (NM_001346898.2, NM_201282.2, NM_201284.2); c.1256C>A, p.Ala419Glu (NM_001346900.2); c.614C>A, p.Ala205Glu (NM_001346941.2); short protein forms A205E, A419E, A427E, A472E.
Identifiers: ClinVar variation 3622377 (VCV003622377.3).
Genomic context (GRCh38, chr7:55,160,255, plus strand): 5'-CCCTCAAGGAGATAAGTGATGGAGATGTGATAATTTCAGGAAACAAAAATTTGTGCTATG[C>A]AAATACAATAAACTGGAAAAAACTGTTTGGGACCTCCGGTCAGAAAACCAAAATTATAAG-3'
Protein context (NP_005219.2, residues 462-482): IISGNKNLCY[Ala472Glu]NTINWKKLFG